The following is an entry in ClinVar:

NM_207391.3(RGS9BP):c.35G>T (p.Gly12Val)

Gene: RGS9BP (regulator of G protein signaling 9 binding protein; plus strand). Cytogenetic location: 19q13.11.
Variant type: single nucleotide variant.
Coding change: c.35G>T on transcript NM_207391.3 (MANE Select); coding-DNA position 35, G replaced by T.
Protein change: p.Gly12Val; replaces glycine 12 with valine.
Molecular consequence: missense variant.
Genome position (GRCh38, 1-based): chr19:32,676,298, G>T. VCF-style: chr19-32676298-G-T. GRCh37 (hg19) VCF-style: chr19-33167204-G-T.
Other names: short protein forms G12V.
Identifiers: ClinVar variation 1364721 (VCV001364721.8), dbSNP rs1277942517, ClinGen allele CA405185220.
Genomic context (GRCh38, chr19:32,676,298, plus strand): 5'-GCCGGGCCCAGCCGGAGCCCACCGCGATGGCGAGGGAGGAGTGCAAGGCGCTGCTGGACG[G>T]GCTCAACAAGACGACTGCGTGCTACCACCACCTGGTGCTGACCGTCGGTGGCTCGGCGGA-3'
Protein context (NP_997274.2, residues 2-22): AREECKALLD[Gly12Val]LNKTTACYHH

ClinVar aggregate classification (germline): Uncertain significance (1 of 4 stars; one submission).

Allele frequency attached by ClinVar (database versions not stated): gnomAD exomes below 0.00001; TOPMed 0.00002.
gnomAD v4.1: 1 of 1,605,460 alleles (0.000062%); highest among the groups gnomAD compares: African/African-American, 0.0013%; no homozygotes.

Submission:

Labcorp Genetics (formerly Invitae), Labcorp
Classification: Uncertain significance. Last evaluated: 2022-11-22. Review status: criteria provided, single submitter. Criteria: Invitae Variant Classification Sherloc (09022015). Collection method: clinical testing. Allele origin: germline.
Comment: In summary, the available evidence is currently insufficient to determine the role of this variant in disease. Therefore, it has been classified as a Variant of Uncertain Significance. Algorithms developed to predict the effect of missense changes on protein structure and function are either unavailable or do not agree on the potential impact of this missense change (SIFT: "Deleterious"; PolyPhen-2: "Benign"; Align-GVGD: "Class C0"). ClinVar contains an entry for this variant (Variation ID: 1364721). This variant has not been reported in the literature in individuals affected with RGS9BP-related conditions. This variant is not present in population databases (gnomAD no frequency). This sequence change replaces glycine, which is neutral and non-polar, with valine, which is neutral and non-polar, at codon 12 of the RGS9BP protein (p.Gly12Val).